The following is an entry in ClinVar:

NM_004369.4(COL6A3):c.6920G>C (p.Arg2307Thr)

Gene: COL6A3 (collagen type VI alpha 3 chain; minus strand). Cytogenetic location: 2q37.3.
Variant type: single nucleotide variant.
Coding change: c.6920G>C on transcript NM_004369.4 (MANE Select); coding-DNA position 6920, G replaced by C.
Protein change: p.Arg2307Thr; replaces arginine 2307 with threonine.
Molecular consequence: missense variant.
Genome position (GRCh38, 1-based): chr2:237,348,623, C>G on the plus strand (G>C on the coding strand, the complement: COL6A3 is on the minus strand). VCF-style: chr2-237348623-C-G. GRCh37 (hg19) VCF-style: chr2-238257266-C-G.
Other names: c.5099G>C, p.Arg1700Thr (NM_057166.5); c.6302G>C, p.Arg2101Thr (NM_057167.4); short protein forms R2307T, R1700T, R2101T.
Identifiers: ClinVar variation 542985 (VCV000542985.8), dbSNP rs778845754, ClinGen allele CA2188023.

ClinVar aggregate classification (germline): Uncertain significance. Review status: criteria provided, multiple submitters, no conflicts (2 of 4 stars). 2 submissions from 2 submitters: Uncertain significance (2). Last evaluated 2025-08-26.

Conditions:
Bethlem myopathy 1A. Also called: MYOPATHY, BENIGN CONGENITAL, WITH CONTRACTURES; Bethlem Muscular Dystrophy; Bethlem myopathy 1. Identifiers: Orphanet 610, MedGen CN029274, MONDO:0024530, OMIM 158810.
Inborn genetic diseases. Identifiers: MedGen C0950123, MeSH D030342.

Allele frequency attached by ClinVar (database versions not stated): ExAC 0.00001; gnomAD 0.00001; gnomAD exomes 0.00001 and 0.00002; TOPMed 0.00001.
gnomAD v4.1: 29 of 1,614,064 alleles (0.0018%); highest among the groups gnomAD compares: Admixed American, 0.0067%; no homozygotes.

Submissions (2):

Ambry Genetics
Classification: Uncertain significance for Inborn genetic diseases. Last evaluated: 2025-08-26. Review status: criteria provided, single submitter. Criteria: Ambry Variant Classification Scheme 2023. Collection method: clinical testing. Allele origin: germline.

Labcorp Genetics (formerly Invitae), Labcorp
Classification: Uncertain significance for Bethlem myopathy 1A. Last evaluated: 2025-04-10. Review status: criteria provided, single submitter. Criteria: Invitae Variant Classification Sherloc (09022015). Collection method: clinical testing. Allele origin: germline.
Comment: This sequence change replaces arginine, which is basic and polar, with threonine, which is neutral and polar, at codon 2307 of the COL6A3 protein (p.Arg2307Thr). This variant is present in population databases (rs778845754, gnomAD 0.006%). This variant has not been reported in the literature in individuals affected with COL6A3-related conditions. ClinVar contains an entry for this variant (Variation ID: 542985). Invitae Evidence Modeling of protein sequence and biophysical properties (such as structural, functional, and spatial information, amino acid conservation, physicochemical variation, residue mobility, and thermodynamic stability) indicates that this missense variant is not expected to disrupt COL6A3 protein function with a negative predictive value of 80%. In summary, the available evidence is currently insufficient to determine the role of this variant in disease. Therefore, it has been classified as a Variant of Uncertain Significance.